The following is an entry in ClinVar:

ClinVar aggregate classification (germline): Uncertain significance (1 of 4 stars; one submission).

Submission:

Labcorp Genetics (formerly Invitae), Labcorp
Classification: Uncertain significance. Last evaluated: 2021-03-27. Review status: criteria provided, single submitter. Criteria: Invitae Variant Classification Sherloc (09022015). Collection method: clinical testing. Allele origin: germline.
Comment: In summary, the available evidence is currently insufficient to determine the role of this variant in disease. Therefore, it has been classified as a Variant of Uncertain Significance. Algorithms developed to predict the effect of missense changes on protein structure and function are either unavailable or do not agree on the potential impact of this missense change (SIFT: "Deleterious"; PolyPhen-2: "Possibly Damaging"; Align-GVGD: "Class C0"). This variant has not been reported in the literature in individuals with IMPG1-related conditions. This variant is not present in population databases (ExAC no frequency). This sequence change replaces glutamine with lysine at codon 271 of the IMPG1 protein (p.Gln271Lys). The glutamine residue is highly conserved and there is a small physicochemical difference between glutamine and lysine.

NM_001563.4(IMPG1):c.811C>A (p.Gln271Lys)

Gene: IMPG1 (interphotoreceptor matrix proteoglycan 1; minus strand). Cytogenetic location: 6q14.1.
Variant type: single nucleotide variant.
Coding change: c.811C>A on transcript NM_001563.4 (MANE Select); coding-DNA position 811, C replaced by A.
Protein change: p.Gln271Lys; replaces glutamine 271 with lysine.
Molecular consequence: missense variant.
Genome position (GRCh38, 1-based): chr6:76,011,221, G>T on the plus strand (C>A on the coding strand, the complement: IMPG1 is on the minus strand). VCF-style: chr6-76011221-G-T. GRCh37 (hg19) VCF-style: chr6-76720938-G-T.
Other names: c.577C>A, p.Gln193Lys (NM_001282368.2); short protein forms Q193K, Q271K.
Identifiers: ClinVar variation 1406746 (VCV001406746.8), dbSNP rs2149479825, ClinGen allele CA364776867.
Genomic context (GRCh38, chr6:76,011,221, plus strand): 5'-CTTACCTAAATCCTAACACATGGATTTTTTTGAATCCTGGAAGTTTCTTAAATATCTTTT[G>T]CATCTGCAGAGAGAAAGAAATTTGTAAAATACTCTTTGGTTCTGCTGGGTCAGTTCTTGC-3'
Protein context (NP_001554.2, residues 261-281): ELAGKSQLQM[Gln271Lys]KIFKKLPGFK